The following is an entry in ClinVar:

ClinVar aggregate classification (germline): Likely benign (1 of 4 stars; one submission).

Allele frequency attached by ClinVar (database versions not stated): gnomAD exomes 0.00002.

Submission:

CeGaT Center for Human Genetics Tuebingen
Classification: Likely benign. Last evaluated: 2023-01-01. Review status: criteria provided, single submitter. Criteria: CeGaT Center For Human Genetics Tuebingen Variant Classification Criteria Version 2. Collection method: clinical testing. Allele origin: germline. Affected: yes. Observed: 1 variant allele.
Comment: SLC6A18: BP4, BP7

NM_182632.3(SLC6A18):c.1383G>A (p.Leu461=)

Gene: SLC6A18 (solute carrier family 6 member 18; plus strand). Cytogenetic location: 5p15.33.
Variant type: single nucleotide variant.
Coding change: c.1383G>A on transcript NM_182632.3 (MANE Select); coding-DNA position 1383, G replaced by A.
Protein change: p.Leu461=; no amino-acid change (leucine 461 retained).
Molecular consequence: synonymous variant.
Genome position (GRCh38, 1-based): chr5:1,244,260, G>A. VCF-style: chr5-1244260-G-A. GRCh37 (hg19) VCF-style: chr5-1244375-G-A.
Identifiers: ClinVar variation 2655273 (VCV002655273.24), dbSNP rs1475075787, ClinGen allele CA443017965.
Genomic context (GRCh38, chr5:1,244,260, plus strand): 5'-TCCCACTGCCCCAGGGCTGGTCTGCCTGGTCTGCTTCCTCTCCGCCACCTGCTTCACGCT[G>A]CAGTCTGGGAACTACTGGCTGGAGATTTTCGACAATTTTGCCGCTTCCCCGAACCTGCTC-3'
Protein context (NP_872438.2, residues 451-471): VCFLSATCFT[Leu461=]QSGNYWLEIF